The following is an entry in ClinVar:

ClinVar aggregate classification (germline): Conflicting classifications of pathogenicity. Review status: criteria provided, conflicting classifications (1 of 4 stars). 24 submissions from 24 submitters: Pathogenic (1); Likely pathogenic (6); Uncertain significance (16). 1 of the submissions does not count toward it. Last evaluated 2026-09-01.

Conditions:
ATP7B-related disorder. Also called: ATP7B-related condition.
Inborn genetic diseases. Identifiers: MedGen C0950123, MeSH D030342.
Wilson disease (WND). Also called: Wilson's disease. Identifiers: Orphanet 905, MedGen C0019202, MONDO:0010200, OMIM 277900. Disease mechanism: loss of function.

Allele frequency attached by ClinVar (database versions not stated): 1000 Genomes Project 0.00020; 1000 Genomes Project 30x 0.00031; gnomAD exomes 0.00120 and 0.00347; ExAC 0.00126; TOPMed 0.00149; gnomAD 0.00151 and 0.00155; ESP Exome Variant Server 0.00187.
gnomAD v4.1: 5,189 of 1,613,596 alleles (0.32%); highest among the groups gnomAD compares: Non-Finnish European, 0.42%; 12 homozygotes.

Submissions 1 to 9 of 24:

CeGaT Center for Human Genetics Tuebingen
Classification: Uncertain significance. Last evaluated: 2026-09-01. Review status: criteria provided, single submitter. Criteria: CeGaT Center For Human Genetics Tuebingen Variant Classification Criteria Version 2. Collection method: clinical testing. Allele origin: germline. Affected: yes. Observed: 10 variant alleles.
Comment: ATP7B: PM1, PM5:Supporting, PP3, PS3:Supporting, BS2

GeneDx
Classification: Uncertain significance. Last evaluated: 2026-09-01. Review status: criteria provided, single submitter. Criteria: GeneDx Variant Classification Process June 2021. Collection method: clinical testing. Allele origin: germline.
Comment: In silico analysis supports that this missense variant has a deleterious effect on protein structure/function; This variant is associated with the following publications: (PMID: 23518715, 30556376, 16088907, 17949296, 22692182, 26275891, 27528516, 31059521, 26206375, 24253677, 34426522, 23235335, 32248359, 30275481, 31815884, 31980526, 33258288, 35287663, 34620762, 31738409, 36672771, 37937776, 40661833, 41465155, 38735682, 31708252, 20333758, 39933775, Maher2026[Pre-print])

Myriad Genetics, Inc.
Classification: Uncertain significance for Wilson disease. Last evaluated: 2026-07-08. Review status: criteria provided, single submitter. Criteria: Myriad Autosomal Dominant, Autosomal Recessive and X-Linked Classification Criteria (2023). Collection method: clinical testing. Allele origin: unknown.
Comment: NM_000053.3(ATP7B):c.2972C>T(T991M) is a missense variant classified as a variant of uncertain significance in the context of Wilson disease. T991M has been observed in cases with relevant disease (PMID: 36672771, 16088907, 27528516, 37353797, 23518715, 26275891). Relevant functional assessments of this variant are available in the literature (PMID: 40661833). T991M has been observed in referenced population frequency databases. In summary, there is insufficient evidence to classify NM_000053.3(ATP7B):c.2972C>T(T991M) as pathogenic or benign. Please note: this variant was assessed in the context of healthy population screening.

PreventionGenetics, part of Exact Sciences
Classification: Uncertain significance for ATP7B-related condition. Last evaluated: 2026-06-13. Review status: criteria provided, single submitter. Criteria: ACMG Guidelines, 2015. Collection method: clinical testing. Allele origin: germline.
Comment: The ATP7B c.2972C>T variant is predicted to result in the amino acid substitution p.Thr991Met. This variant has been reported in at least one individual with Wilson disease; however, it is unclear from the literature if a second variant was identified (Cox et al. 2005. PubMed ID: 16088907). Functional studies of the variant protein demonstrated a mild to intermediate deficiency in copper transport (Luoma et al. 2010. PubMed ID: 20333758). This variant is reported in 0.24% of alleles in individuals of European (non-Finnish) descent in gnomAD, including one homozygote, which may be too frequent to be a primary cause of disease. One study suggested that this variant could have low penetrance or may be non-causative (Wallace and Dooley. 2020. PubMed ID: 32248359); however, no clear evidence was provided. It is listed in the ClinVar database with conflicting interpretations including uncertain, likely pathogenic, and pathogenic (Variation ID: 35712). Although we suspect that this variant may be benign, at this time, the clinical significance of this variant is uncertain due to the absence of conclusive functional and genetic evidence.

OLLIN Analises Genomicas, OLLIN
Classification: Likely pathogenic for Wilson disease. Last evaluated: 2026-02-13. Review status: criteria provided, single submitter. Criteria: ACMG Guidelines 2015 PMID 25741868. Collection method: clinical testing. Allele origin: germline. Observed: 1 variant allele.
Comment: PS3_P, PM1, PM3, PP3_M

Otogenetics
Classification: Likely pathogenic for Wilson disease. Last evaluated: 2026-02-07. Review status: criteria provided, single submitter. Criteria: ACMG Guidelines, 2015. Collection method: clinical testing. Allele origin: germline.
Comment: PS3_Supporting: Well-established in vitro and in vivo functional studies supportive of damaging effect on the gene product, with low residual enzymatic activity relative to wild-type reported (PMID: 40661833); PM2: Maximum gnomAD MAF of 0.243% in European-Non Finnish (NFE) subpopulation (<0.243% threshold); PM3_Supporting: Variant reported in trans with one pathogenic variant in one individual affected with Wilson disease (PMID: 39933775); PM5_Supporting: Likely pathogenic missense amino acid changes occur in same position: c.2971A>G p.Thr991Ala (PMID: 33640437, 34400371); PP3: In-silico models predict deleterious effect (Revel = 0.93, BayesDel = 0.46)

Labcorp Genetics (formerly Invitae), Labcorp
Classification: Pathogenic for Wilson disease. Last evaluated: 2026-02-02. Review status: criteria provided, single submitter. Criteria: Invitae Variant Classification Sherloc (09022015). Collection method: clinical testing. Allele origin: germline.
Comment: This sequence change replaces threonine, which is neutral and polar, with methionine, which is neutral and non-polar, at codon 991 of the ATP7B protein (p.Thr991Met). This variant is present in population databases (rs41292782, gnomAD 0.2%), and has an allele count higher than expected for a pathogenic variant. This missense change has been observed in individual(s) with clinical features of Wilson disease (PMID: 16088907, 23518715, 26275891; internal data). In at least one individual the data is consistent with being in trans (on the opposite chromosome) from a pathogenic variant. ClinVar contains an entry for this variant (Variation ID: 35712). Invitae Evidence Modeling of protein sequence and biophysical properties (such as structural, functional, and spatial information, amino acid conservation, physicochemical variation, residue mobility, and thermodynamic stability) indicates that this missense variant is expected to disrupt ATP7B protein function with a positive predictive value of 80%. Experimental studies have shown that this missense change affects ATP7B function (PMID: 20333758). This variant disrupts the p.Thr991 amino acid residue in ATP7B. Other variant(s) that disrupt this residue have been determined to be pathogenic (internal data). This suggests that this residue is clinically significant, and that variants that disrupt this residue are likely to be disease-causing. For these reasons, this variant has been classified as Pathogenic.

Variantyx, Inc.
Classification: Likely pathogenic for Wilson disease. Last evaluated: 2026-01-08. Review status: criteria provided, single submitter. Criteria: Variantyx Assertion Criteria 2022. Collection method: clinical testing. Allele origin: germline. Inheritance: Autosomal recessive inheritance. Affected: no.
Comment: This is a nonsynonymous variant in the ATP7B gene (OMIM: 606882). Pathogenic variants in this gene have been associated with autosomal recessive Wilson disease. Functional studies have shown that this variant alters ATP7B protein function (PMID: 20333758) (PS3), and multiple computational algorithms predict a deleterious effect for this variant (REVEL score: 0.927) (PP3). Moreover, the alteration lies within a known hotspot for pathogenic variants or a well-established critical functional domain of the ATP7B protein (PMID: 16088907, 17949296, 20333758, 23518715) (PM1). This variant has a 0.4226% maximum allele frequency in non-founder control populations (PM2). Based on the current evidence, this variant is classified as likely pathogenic for autosomal recessive Wilson disease.

Mayo Clinic Laboratories, Mayo Clinic
Classification: Likely pathogenic. Last evaluated: 2025-11-07. Review status: criteria provided, single submitter. Criteria: ACMG Guidelines, 2015. Collection method: clinical testing. Allele origin: germline. Observed: 16 variant alleles.
Comment: PP3_moderate, PS3

NM_000053.4(ATP7B):c.2972C>T (p.Thr991Met)

Gene: ATP7B (ATPase copper transporting beta; minus strand). Cytogenetic location: 13q14.3.
Variant type: single nucleotide variant.
Coding change: c.2972C>T on transcript NM_000053.4 (MANE Select); coding-DNA position 2972, C replaced by T.
Protein change: p.Thr991Met; replaces threonine 991 with methionine.
Molecular consequence: missense variant.
Genome position (GRCh38, 1-based): chr13:51,946,372, G>A on the plus strand (C>T on the coding strand, the complement: ATP7B is on the minus strand). VCF-style: chr13-51946372-G-A. GRCh37 (hg19) VCF-style: chr13-52520508-G-A.
Other names: c.2351C>T, p.Thr784Met (NM_001005918.3); c.2639C>T, p.Thr880Met (NM_001243182.2); c.2738C>T, p.Thr913Met (NM_001330578.2); c.2720C>T, p.Thr907Met (NM_001330579.2); short protein forms T991M, T784M, T880M, T913M, T907M.
Identifiers: ClinVar variation 35712 (VCV000035712.108), dbSNP rs41292782, ClinGen allele CA090896.
Genomic context (GRCh38, chr13:51,946,372, plus strand): 5'-CCCTTGATGAGGATGCCGTTCTGCGCGGCCACCCCGGTGCCCACCATGACAGCCGTGGGC[G>A]TGGCCAGCCCCAGGGAGCAGGGGCAGGCAATGCACAGCACCGTGATGGACGTCTGGAAAG-3'
Protein context (NP_000044.2, residues 981-1001): IACPCSLGLA[Thr991Met]PTAVMVGTGV